The following is an entry in ClinVar:

ClinVar aggregate classification (germline): Uncertain significance (1 of 4 stars; one submission).

Conditions:
Hypertrophic cardiomyopathy 19. Also called: Familial hypertrophic cardiomyopathy 19. Identifiers: MedGen CN077603, MONDO:0013476.

gnomAD v4.1: 1 of 1,614,120 alleles (0.000062%); highest among the groups gnomAD compares: Non-Finnish European, 0.000085%; no homozygotes.

Submission:

Labcorp Genetics (formerly Invitae), Labcorp
Classification: Uncertain significance for Hypertrophic cardiomyopathy 19. Last evaluated: 2021-09-15. Review status: criteria provided, single submitter. Criteria: Invitae Variant Classification Sherloc (09022015). Collection method: clinical testing. Allele origin: germline.
Comment: This sequence change replaces valine with isoleucine at codon 92 of the CALR3 protein (p.Val92Ile). The valine residue is highly conserved and there is a small physicochemical difference between valine and isoleucine. This variant is not present in population databases (ExAC no frequency). This variant has not been reported in the literature in individuals affected with CALR3-related conditions. Algorithms developed to predict the effect of missense changes on protein structure and function output the following: SIFT: "Tolerated"; PolyPhen-2: "Benign"; Align-GVGD: "Class C0". The isoleucine amino acid residue is found in multiple mammalian species, which suggests that this missense change does not adversely affect protein function. In summary, the available evidence is currently insufficient to determine the role of this variant in disease. Therefore, it has been classified as a Variant of Uncertain Significance.

NM_145046.5(CALR3):c.274G>A (p.Val92Ile)

Gene: CALR3 (calreticulin 3; minus strand). Cytogenetic location: 19p13.11.
Variant type: single nucleotide variant.
Coding change: c.274G>A on transcript NM_145046.5 (MANE Select); coding-DNA position 274, G replaced by A.
Protein change: p.Val92Ile; replaces valine 92 with isoleucine.
Molecular consequence: missense variant.
Genome position (GRCh38, 1-based): chr19:16,490,490, C>T on the plus strand (G>A on the coding strand, the complement: CALR3 is on the minus strand). VCF-style: chr19-16490490-C-T. GRCh37 (hg19) VCF-style: chr19-16601301-C-T.
Other names: short protein forms V92I.
Identifiers: ClinVar variation 1464791 (VCV001464791.6), dbSNP rs776598394, ClinGen allele CA404613800.